The following is an entry in ClinVar:

NM_001844.5(COL2A1):c.25_26delinsTG (p.Thr9Trp)

Gene: COL2A1 (collagen type II alpha 1 chain; minus strand). Cytogenetic location: 12q13.11.
Variant type: Indel.
Coding change: c.25_26delinsTG on transcript NM_001844.5 (MANE Select); coding-DNA positions 25 to 26, AC replaced by TG.
Protein change: p.Thr9Trp; replaces threonine 9 with tryptophan.
Molecular consequence: missense variant.
Genome position (GRCh38, 1-based): chr12:48,004,296-48,004,297, GT replaced by CA on the plus strand (AC replaced by TG on the coding strand, the reverse complement: COL2A1 is on the minus strand). VCF-style: chr12-48004296-GT-CA. GRCh37 (hg19) VCF-style: chr12-48398079-GT-CA.
Other names: c.25_26delinsTG, p.Thr9Trp (NM_033150.3); short protein forms T9W.
Identifiers: ClinVar variation 969029 (VCV000969029.7), dbSNP rs1131691546, ClinGen allele CA1139662593.

ClinVar aggregate classification (germline): Uncertain significance (1 of 4 stars; one submission).

Submission:

Labcorp Genetics (formerly Invitae), Labcorp
Classification: Uncertain significance. Last evaluated: 2022-10-17. Review status: criteria provided, single submitter. Criteria: Invitae Variant Classification Sherloc (09022015). Collection method: clinical testing. Allele origin: germline.
Comment: This variant has not been reported in the literature in individuals affected with COL2A1-related conditions. ClinVar contains an entry for this variant (Variation ID: 969029). Experimental studies and prediction algorithms are not available or were not evaluated, and the functional significance of this variant is currently unknown. In summary, the available evidence is currently insufficient to determine the role of this variant in disease. Therefore, it has been classified as a Variant of Uncertain Significance. Information on the frequency of this variant in the gnomAD database is not available, as this variant may be reported differently in the database. This sequence change replaces threonine, which is neutral and polar, with tryptophan, which is neutral and slightly polar, at codon 9 of the COL2A1 protein (p.Thr9Trp).